The following is an entry in ClinVar:

ClinVar aggregate classification (germline): Uncertain significance (1 of 4 stars; one submission).

Conditions:
D-Glyceric aciduria. Also called: GLYCERATE KINASE DEFICIENCY; Deficiency of glycerate kinase. Identifiers: Orphanet 941, MedGen C0342765, MONDO:0009070, OMIM 220120.

gnomAD v4.1: 89 of 1,613,638 alleles (0.0055%); highest among the groups gnomAD compares: African/African-American, 0.0093%; no homozygotes.

Submission:

Ambry Genetics
Classification: Uncertain significance. Last evaluated: 2025-01-18. Review status: criteria provided, single submitter. Criteria: Ambry Variant Classification Scheme 2023. Collection method: clinical testing. Allele origin: germline.

NM_145262.4(GLYCTK):c.1561C>T (p.Arg521Trp)

Gene: GLYCTK (glycerate kinase; plus strand). Cytogenetic location: 3p21.2.
Variant type: single nucleotide variant.
Coding change: c.1561C>T on transcript NM_145262.4 (MANE Select); coding-DNA position 1561, C replaced by T.
Protein change: p.Arg521Trp; replaces arginine 521 with tryptophan.
Molecular consequence: missense variant. On other transcripts: non-coding transcript variant (4), 3 prime UTR variant (1).
Genome position (GRCh38, 1-based): chr3:52,293,115, C>T. VCF-style: chr3-52293115-C-T. GRCh37 (hg19) VCF-style: chr3-52327131-C-T.
Other names: c.*680C>T (NM_001144951.2); short protein forms R521W.
Identifiers: ClinVar variation 3854392 (VCV003854392.2).